The following is an entry in ClinVar:

ClinVar aggregate classification (germline): Benign. Review status: criteria provided, multiple submitters, no conflicts (2 of 4 stars). 11 submissions from 11 submitters: Benign (10). 1 of the submissions does not count toward it. Last evaluated 2025-03-27.

Conditions:
Autosomal dominant polycystic kidney disease. Identifiers: Orphanet 730, MedGen C0085413, MONDO:0004691.
Polycystic kidney disease, adult type (PKD1). Also called: Polycystic Kidney, Autosomal Dominant; Polycystic Kidney Disease 1, Autosomal Dominant; Polycystic kidney disease 1; Polycystic kidney disease 1, severe; POLYCYSTIC KIDNEY DISEASE 1 WITH OR WITHOUT POLYCYSTIC LIVER DISEASE; POLYCYSTIC KIDNEY DISEASE, ADULT, TYPE I. Identifiers: MedGen C3149841, MONDO:0008263, OMIM 173900.
Polycystic kidney disease. Also called: Polycystic kidney dysplasia; Kidney, Polycystic. Identifiers: MedGen C0022680, MeSH D007690, MONDO:0020642, HP:0000113.

Allele frequency attached by ClinVar (database versions not stated): gnomAD exomes 0.08857 and 0.09479; ExAC 0.10779; 1000 Genomes Project 0.11362; 1000 Genomes Project 30x 0.11977; gnomAD 0.13861 and 0.14545; ESP Exome Variant Server 0.14451; TOPMed 0.14993.
gnomAD v4.1: 159,661 of 1,608,554 alleles (9.9%); highest among the groups gnomAD compares: African/African-American, 26%; 9,674 homozygotes.

Submissions (11):

Women's Health and Genetics/Laboratory Corporation of America, LabCorp
Classification: Benign. Last evaluated: 2025-03-27. Review status: criteria provided, single submitter. Criteria: LabCorp Variant Classification Summary - May 2015. Collection method: clinical testing. Allele origin: germline.

Blueprint Genetics
Classification: Benign. Last evaluated: 2024-11-27. Review status: criteria provided, single submitter. Criteria: ACMG Guidelines, 2015. Collection method: clinical testing. Allele origin: germline.

Mayo Clinic Laboratories, Mayo Clinic
Classification: Benign. Last evaluated: 2022-04-26. Review status: criteria provided, single submitter. Criteria: ACMG Guidelines, 2015. Collection method: clinical testing. Allele origin: germline. Observed: 192 variant alleles.

Athena Diagnostics
Classification: Benign. Last evaluated: 2021-06-04. Review status: criteria provided, single submitter. Criteria: Athena Diagnostics criteria. Collection method: clinical testing. Allele origin: unknown.

ARUP Laboratories, Molecular Genetics and Genomics, ARUP Laboratories
Classification: Benign for Polycystic kidney disease, adult type. Last evaluated: 2020-07-07. Review status: criteria provided, single submitter. Criteria: ARUP Molecular Germline Variant Investigation Process. Collection method: clinical testing. Allele origin: germline.

GeneDx
Classification: Benign. Last evaluated: 2019-09-25. Review status: criteria provided, single submitter. Criteria: GeneDx Variant Classification Process June 2021. Collection method: clinical testing. Allele origin: germline. Affected: yes.
Comment: This variant is associated with the following publications: (PMID: 11967008)

Molecular Genetics of Inherited Kidney Disorders Laboratory, Garvan Institute of Medical Research
Classification: Benign for Autosomal dominant polycystic kidney disease. Last evaluated: 2019-01-01. Review status: criteria provided, single submitter. Criteria: ACMG Guidelines, 2015. Collection method: research. Allele origin: germline. Affected: yes.

Eurofins Ntd Llc (ga)
Classification: Benign. Last evaluated: 2017-02-01. Review status: criteria provided, single submitter. Criteria: EGL Classification Definitions 2015. Collection method: clinical testing. Allele origin: germline. Observed: 1 variant allele, 1 heterozygote.

Breakthrough Genomics
Classification: Benign. Review status: criteria provided, single submitter. Criteria: ACMG Guidelines, 2015. Collection method: not provided. Allele origin: germline. Inheritance: Autosomal dominant inheritance. Affected: yes.

PreventionGenetics, part of Exact Sciences
Classification: Benign. Review status: criteria provided, single submitter. Criteria: ACMG Guidelines, 2015. Collection method: clinical testing. Allele origin: germline.

Department of Pathology and Laboratory Medicine, Sinai Health System
Classification: Benign for Polycystic Kidney disease. Review status: no assertion criteria provided. Collection method: clinical testing. Allele origin: unknown. Affected: yes. Study: The Canadian Open Genetics Repository (COGR). Not counted in ClinVar's aggregate classification.
Comment: The PKD1, p.Ser1125Servariant was identified in 10.8% of 95064 control alleles in the Exome Aggregation Consortium (March 14, 2016). According to ACMG guidelines for variant classification based on allele frequency, category BA1, this variant is considered benign and has not been further reviewed (Richards 2015).

NM_001009944.3(PKD1):c.3375C>T (p.Ser1125=)

Gene: PKD1 (polycystin 1, transient receptor potential channel interacting; minus strand). Cytogenetic location: 16p13.3.
Variant type: single nucleotide variant.
Coding change: c.3375C>T on transcript NM_001009944.3 (MANE Select); coding-DNA position 3375, C replaced by T.
Protein change: p.Ser1125=; no amino-acid change (serine 1125 retained).
Molecular consequence: synonymous variant.
Genome position (GRCh38, 1-based): chr16:2,111,792, G>A on the plus strand (C>T on the coding strand, the complement: PKD1 is on the minus strand). VCF-style: chr16-2111792-G-A. GRCh37 (hg19) VCF-style: chr16-2161793-G-A.
Other names: p.Ser1125=; c.3375C>T, p.Ser1125= (NM_000296.4).
Identifiers: ClinVar variation 256950 (VCV000256950.23), dbSNP rs74331768, ClinGen allele CA7832791.